The following is an entry in ClinVar:

NM_001365951.3(KIF1B):c.1778T>A (p.Val593Asp)

Gene: KIF1B (kinesin family member 1B; plus strand). Cytogenetic location: 1p36.22.
Variant type: single nucleotide variant.
Coding change: c.1778T>A on transcript NM_001365951.3 (MANE Select); coding-DNA position 1778, T replaced by A.
Protein change: p.Val593Asp; replaces valine 593 with aspartic acid.
Molecular consequence: missense variant.
Genome position (GRCh38, 1-based): chr1:10,296,582, T>A. VCF-style: chr1-10296582-T-A. GRCh37 (hg19) VCF-style: chr1-10356640-T-A.
Other names: c.1778T>A, p.Val593Asp (NM_001365952.1); c.1640T>A, p.Val547Asp (NM_001365953.1, NM_015074.3, NM_183416.4); short protein forms V547D, V593D.
Identifiers: ClinVar variation 838720 (VCV000838720.12), dbSNP rs1462866416, ClinGen allele CA338315421.

ClinVar aggregate classification (germline): Uncertain significance. Review status: criteria provided, multiple submitters, no conflicts (2 of 4 stars). 2 submissions from 2 submitters: Uncertain significance (2). Last evaluated 2022-04-08.

Conditions:
Charcot-Marie-Tooth disease type 2. Also called: Charcot-Marie-Tooth type 2. Identifiers: Orphanet 64746, MedGen C0270914, MONDO:0018993.

Submissions (2):

Ambry Genetics
Classification: Uncertain significance. Last evaluated: 2022-04-08. Review status: criteria provided, single submitter. Criteria: Ambry Variant Classification Scheme 2023. Collection method: clinical testing. Allele origin: germline.
Comment: The p.V547D variant (also known as c.1640T>A) is located in coding exon 17 of the KIF1B gene. The valine at codon 547 is replaced by aspartic acid, an amino acid with highly dissimilar properties. This change occurs in the first base pair of coding exon 17. This amino acid position is conserved. In addition, this alteration is predicted to be deleterious by in silico analysis. Since supporting evidence is limited at this time, the clinical significance of this alteration remains unclear.

Labcorp Genetics (formerly Invitae), Labcorp
Classification: Uncertain significance for Charcot-Marie-Tooth disease type 2. Last evaluated: 2019-12-14. Review status: criteria provided, single submitter. Criteria: Invitae Variant Classification Sherloc (09022015). Collection method: clinical testing. Allele origin: germline.
Comment: In summary, the available evidence is currently insufficient to determine the role of this variant in disease. Therefore, it has been classified as a Variant of Uncertain Significance. Algorithms developed to predict the effect of missense changes on protein structure and function are either unavailable or do not agree on the potential impact of this missense change (SIFT: "Deleterious"; PolyPhen-2: "Probably Damaging"; Align-GVGD: "Class C0"). This variant has not been reported in the literature in individuals with KIF1B-related conditions. This variant is not present in population databases (ExAC no frequency). This sequence change replaces valine with aspartic acid at codon 547 of the KIF1B protein (p.Val547Asp). The valine residue is highly conserved and there is a large physicochemical difference between valine and aspartic acid.